The following is an entry in ClinVar:

ClinVar aggregate classification (germline): Uncertain significance (1 of 4 stars; one submission).

Conditions:
Ehlers-Danlos syndrome, classic type, 1 (EDSCL1). Also called: EHLERS-DANLOS SYNDROME, GRAVIS TYPE; EHLERS-DANLOS SYNDROME, SEVERE CLASSIC TYPE; Ehlers-Danlos syndrome, type 1; Ehlers-Danlos Syndrome, Classic Type, COL5A1-Related; EDS I. Identifiers: MedGen C0268335, MONDO:0019567, OMIM 130000.

gnomAD v4.1: 2 of 1,580,732 alleles (0.00013%); highest among the groups gnomAD compares: Admixed American, 0.0036%; no homozygotes.

Submission:

Labcorp Genetics (formerly Invitae), Labcorp
Classification: Uncertain significance for Ehlers-Danlos syndrome, classic type, 1. Last evaluated: 2025-12-10. Review status: criteria provided, single submitter. Criteria: Invitae Variant Classification Sherloc (09022015). Collection method: clinical testing. Allele origin: germline.
Comment: This sequence change replaces proline, which is neutral and non-polar, with serine, which is neutral and polar, at codon 217 of the COL5A2 protein (p.Pro217Ser). The frequency data for this variant in the population databases is considered unreliable, as metrics indicate poor data quality at this position in the gnomAD database. This variant has not been reported in the literature in individuals affected with COL5A2-related conditions. ClinVar contains an entry for this variant (Variation ID: 3705688). Invitae Evidence Modeling of protein sequence and biophysical properties (such as structural, functional, and spatial information, amino acid conservation, physicochemical variation, residue mobility, and thermodynamic stability) indicates that this missense variant is not expected to disrupt COL5A2 protein function with a negative predictive value of 95%. In summary, the available evidence is currently insufficient to determine the role of this variant in disease. Therefore, it has been classified as a Variant of Uncertain Significance.

NM_000393.5(COL5A2):c.649C>T (p.Pro217Ser)

Gene: COL5A2 (collagen type V alpha 2 chain; minus strand). Cytogenetic location: 2q32.2.
Variant type: single nucleotide variant.
Coding change: c.649C>T on transcript NM_000393.5 (MANE Select); coding-DNA position 649, C replaced by T.
Protein change: p.Pro217Ser; replaces proline 217 with serine.
Molecular consequence: missense variant.
Genome position (GRCh38, 1-based): chr2:189,086,767, G>A on the plus strand (C>T on the coding strand, the complement: COL5A2 is on the minus strand). VCF-style: chr2-189086767-G-A. GRCh37 (hg19) VCF-style: chr2-189951493-G-A.
Other names: short protein forms P217S.
Identifiers: ClinVar variation 3705688 (VCV003705688.2).
Genomic context (GRCh38, chr2:189,086,767, plus strand): 5'-TAATTATAAAGAGACTTACTTGCTGTCCTTGTAAACCCTGTGGTCCCCTTGGGCCAACAG[G>A]ACCCTTAAAAACAAATGAGGAGAAACGTTGCAAAGTACTCATGACAATTAGGTCAAATAT-3'
Protein context (NP_000384.2, residues 207-227): QVGLMPGSVG[Pro217Ser]VGPRGPQGLQ